The following is an entry in ClinVar:

NM_001943.5(DSG2):c.2628T>C (p.Val876=)

Genes: DSG2 (desmoglein 2; plus strand), DSG2-AS1 (DSG2 antisense RNA 1; minus strand). Cytogenetic location: 18q12.1.
Variant type: single nucleotide variant.
Coding change: c.2628T>C on transcript NM_001943.5 (MANE Select); coding-DNA position 2628, T replaced by C.
Protein change: p.Val876=; no amino-acid change (valine 876 retained).
Molecular consequence: synonymous variant.
Genome position (GRCh38, 1-based): chr18:31,546,014, T>C. VCF-style: chr18-31546014-T-C. GRCh37 (hg19) VCF-style: chr18-29125977-T-C.
Other names: c.2628T>C (LRG_397t1).
Identifiers: ClinVar variation 381750 (VCV000381750.19), dbSNP rs775842543, ClinGen allele CA16608731.

ClinVar aggregate classification (germline): Likely benign. Review status: criteria provided, multiple submitters, no conflicts (2 of 4 stars). 5 submissions from 5 submitters: Likely benign (5). Last evaluated 2025-12-21.

Conditions:
Cardiovascular phenotype. Identifiers: MedGen CN230736.
Arrhythmogenic right ventricular cardiomyopathy (ARVD). Also called: Cardiomyopathy, ARVC; Arrhythmogenic right ventricular dysplasia; Arrhythmogenic cardiomyopathy; Arrhythmogenic Right Ventricular Cardiomyopathy (ARVC). Identifiers: Orphanet 247, MedGen C0349788, MeSH D019571, MONDO:0016587. Disease mechanism: loss of function. Inheritance: Various modes of inheritance.
Cardiomyopathy (CMYO). Also called: Cardiomyopathies. Identifiers: Orphanet 167848, MedGen C0878544, MONDO:0004994, HP:0001638. Inheritance: Various modes of inheritance.
Arrhythmogenic right ventricular dysplasia 10. Also called: Arrhythmogenic right ventricular dysplasia/cardiomyopathy, type 10; Arrhythmogenic Right Ventricular Dysplasia/Cardiomyopathy10; ARRHYTHMOGENIC RIGHT VENTRICULAR DYSPLASIA, FAMILIAL, 10. Identifiers: MedGen C1857777, MONDO:0012434, OMIM 610193.

Allele frequency attached by ClinVar (database versions not stated): gnomAD 0.00001; gnomAD exomes 0.00001 and 0.00004; TOPMed 0.00002.
gnomAD v4.1: 56 of 1,614,080 alleles (0.0035%); highest among the groups gnomAD compares: Non-Finnish European, 0.0043%; no homozygotes.

Submissions (5):

Labcorp Genetics (formerly Invitae), Labcorp
Classification: Likely benign for Arrhythmogenic right ventricular dysplasia 10. Last evaluated: 2025-12-21. Review status: criteria provided, single submitter. Criteria: Invitae Variant Classification Sherloc (09022015). Collection method: clinical testing. Allele origin: germline.

All of Us Research Program, National Institutes of Health
Classification: Likely benign for Arrhythmogenic right ventricular cardiomyopathy. Last evaluated: 2023-12-01. Review status: criteria provided, single submitter. Criteria: ACMG Guidelines, 2015. Collection method: clinical testing. Allele origin: germline. Inheritance: Autosomal dominant inheritance. Observed: 11 variant alleles, 11 heterozygotes.
Comment: This study involves interpretation of variants in research participants for the purpose of population health screening. Participant phenotype was not available at the time of variant classification. Additional details can be found in publication PMID: 35346344, PMCID: PMC8962531

Color Diagnostics, LLC DBA Color Health
Classification: Likely benign for Cardiomyopathy. Last evaluated: 2019-03-22. Review status: criteria provided, single submitter. Criteria: ACMG Guidelines, 2015. Collection method: clinical testing. Allele origin: germline.

GeneDx
Classification: Likely benign. Last evaluated: 2018-12-18. Review status: criteria provided, single submitter. Criteria: GeneDx Variant Classification Process June 2021. Collection method: clinical testing. Allele origin: germline. Affected: yes.

Ambry Genetics
Classification: Likely benign for Cardiovascular phenotype. Last evaluated: 2016-06-24. Review status: criteria provided, single submitter. Criteria: Ambry Variant Classification Scheme 2023. Collection method: clinical testing. Allele origin: germline.